The following is an entry in ClinVar:

NM_022464.5(SIL1):c.645+207G>A

Gene: SIL1 (SIL1 nucleotide exchange factor; minus strand). Cytogenetic location: 5q31.2.
Variant type: single nucleotide variant.
Coding change: c.645+207G>A on transcript NM_022464.5 (MANE Select); 207 bases into the intron after coding-DNA position 645, G replaced by A.
Molecular consequence: intron variant.
Genome position (GRCh38, 1-based): chr5:139,026,594, C>T on the plus strand (G>A on the coding strand, the complement: SIL1 is on the minus strand). VCF-style: chr5-139026594-C-T. GRCh37 (hg19) VCF-style: chr5-138362283-C-T.
Other names: c.645+207G>A (NM_001037633.2).
Identifiers: ClinVar variation 670080 (VCV000670080.1), dbSNP rs10038799, ClinGen allele CA12037576.

ClinVar aggregate classification (germline): Benign (1 of 4 stars; one submission).

Allele frequency attached by ClinVar (database versions not stated): TOPMed 0.42243; gnomAD 0.42765 and 0.41990; 1000 Genomes Project 30x 0.38632; 1000 Genomes Project 0.38119.
gnomAD v4.1: 63,641 of 151,914 alleles (42%); highest among the groups gnomAD compares: African/African-American, 58%; 14,168 homozygotes.

Submission:

GeneDx
Classification: Benign. Last evaluated: 2018-06-14. Review status: criteria provided, single submitter. Criteria: GeneDx Variant Classification (06012015). Collection method: clinical testing. Allele origin: germline. Affected: yes.
Comment: This variant is considered likely benign or benign based on one or more of the following criteria: it is a conservative change, it occurs at a poorly conserved position in the protein, it is predicted to be benign by multiple in silico algorithms, and/or has population frequency not consistent with disease.